The following is an entry in ClinVar:

NM_006269.2(RP1):c.4999T>A (p.Ser1667Thr)

Genes: RP1 (RP1 axonemal microtubule associated; plus strand), LOC126860392 (CDK7 strongly-dependent group 2 enhancer GRCh37_chr8:55541319-55542518; plus strand). Cytogenetic location: 8q12.1.
Variant type: single nucleotide variant.
Coding change: c.4999T>A on transcript NM_006269.2 (MANE Select); coding-DNA position 4999, T replaced by A.
Protein change: p.Ser1667Thr; replaces serine 1667 with threonine.
Molecular consequence: missense variant. On other transcripts: intron variant (1).
Genome position (GRCh38, 1-based): chr8:54,628,881, T>A. VCF-style: chr8-54628881-T-A. GRCh37 (hg19) VCF-style: chr8-55541441-T-A.
Other names: c.787+6593T>A (NM_001375654.1); short protein forms S1667T.
Identifiers: ClinVar variation 943595 (VCV000943595.12), dbSNP rs373577660, ClinGen allele CA4751985.

ClinVar aggregate classification (germline): Uncertain significance. Review status: criteria provided, multiple submitters, no conflicts (2 of 4 stars). 2 submissions from 2 submitters: Uncertain significance (2). Last evaluated 2023-04-05.

Conditions:
Inborn genetic diseases. Identifiers: MedGen C0950123, MeSH D030342.

Allele frequency attached by ClinVar (database versions not stated): gnomAD 0.00001 and 0.00002; gnomAD exomes 0.00002 and 0.00003; TOPMed 0.00003; ExAC 0.00004; ESP Exome Variant Server 0.00008.
gnomAD v4.1: 28 of 1,614,008 alleles (0.0017%); highest among the groups gnomAD compares: Non-Finnish European, 0.00017%; no homozygotes.

Submissions (2):

Ambry Genetics
Classification: Uncertain significance for Inborn genetic diseases. Last evaluated: 2023-04-05. Review status: criteria provided, single submitter. Criteria: Ambry Variant Classification Scheme 2023. Collection method: clinical testing. Allele origin: germline.

Labcorp Genetics (formerly Invitae), Labcorp
Classification: Uncertain significance. Last evaluated: 2020-08-20. Review status: criteria provided, single submitter. Criteria: Invitae Variant Classification Sherloc (09022015). Collection method: clinical testing. Allele origin: germline.
Comment: In summary, the available evidence is currently insufficient to determine the role of this variant in disease. Therefore, it has been classified as a Variant of Uncertain Significance. Algorithms developed to predict the effect of missense changes on protein structure and function output the following: SIFT: "Tolerated"; PolyPhen-2: "Benign"; Align-GVGD: "Class C0". The threonine amino acid residue is found in multiple mammalian species, suggesting that this missense change does not adversely affect protein function. These predictions have not been confirmed by published functional studies and their clinical significance is uncertain. This variant has not been reported in the literature in individuals with RP1-related conditions. This variant is present in population databases (rs373577660, ExAC 0.007%). This sequence change replaces serine with threonine at codon 1667 of the RP1 protein (p.Ser1667Thr). The serine residue is weakly conserved and there is a small physicochemical difference between serine and threonine.